The following is an entry in ClinVar:

NM_032638.5(GATA2):c.593C>T (p.Ala198Val)

Gene: GATA2 (GATA binding protein 2; minus strand). Cytogenetic location: 3q21.3.
Variant type: single nucleotide variant.
Coding change: c.593C>T on transcript NM_032638.5 (MANE Select); coding-DNA position 593, C replaced by T.
Protein change: p.Ala198Val; replaces alanine 198 with valine.
Molecular consequence: missense variant.
Genome position (GRCh38, 1-based): chr3:128,486,005, G>A on the plus strand (C>T on the coding strand, the complement: GATA2 is on the minus strand). VCF-style: chr3-128486005-G-A. GRCh37 (hg19) VCF-style: chr3-128204848-G-A.
Other names: c.593C>T, p.Ala198Val (NM_001145661.2, NM_001145662.1); short protein forms A198V.
Identifiers: ClinVar variation 539714 (VCV000539714.13), dbSNP rs745726293, ClinGen allele CA2599993.
Genomic context (GRCh38, chr3:128,486,005, plus strand): 5'-GTCAGTGACACCTGGTACTTGACGCCGTCCTTGTCCTCTCCTCGGGCTGCACTACCCCCC[G>A]CGGAAGATGAGGCTGGAGACGCAGCCCCCGTGGTGCTAGGGTCAGGAGACACTTCTTTGG-3'
Protein context (NP_116027.2, residues 188-208): TGAASPASSS[Ala198Val]GGSAARGEDK

ClinVar aggregate classification (germline): Conflicting classifications of pathogenicity. Review status: criteria provided, conflicting classifications (1 of 4 stars). 4 submissions from 4 submitters: Uncertain significance (3); Likely benign (1). Last evaluated 2026-01-21.

Conditions:
Hereditary cancer-predisposing syndrome. Also called: Hereditary Cancer Syndrome; Tumor predisposition; Neoplastic Syndromes, Hereditary; Hereditary neoplastic syndrome. Identifiers: Orphanet 140162, MedGen C0027672, MeSH D009386, MONDO:0015356.
Acute myeloid leukemia (AML). Also called: Leukemia, acute myeloid, somatic; Leukemia, acute myelogenous, somatic; Acute myeloid leukemia, adult; AML adult; Acute non-lymphocytic leukemia; Acute granulocytic leukemia. Identifiers: Orphanet 519, MedGen C0023467, MeSH D015470, MONDO:0018874, OMIM 601626, HP:0004808. Disease mechanism: Constitutively activated FLT3.
Inborn genetic diseases. Identifiers: MedGen C0950123, MeSH D030342.
Deafness-lymphedema-leukemia syndrome. Also called: Emberger syndrome; Lymphedema, primary, with myelodysplasia. Identifiers: Orphanet 3226, MedGen C3279664, MONDO:0013540, OMIM 614038.
Monocytopenia with susceptibility to infections. Also called: IMMUNODEFICIENCY 21; MONOCYTOPENIA AND MYCOBACTERIAL INFECTION SYNDROME; MONOCYTOPENIA WITH SUSCEPTIBILITY TO MYCOBACTERIAL, FUNGAL, AND PAPILLOMAVIRUS INFECTIONS AND MYELODYSPLASIA; COMBINED IMMUNODEFICIENCY WITH SUSCEPTIBILITY TO MYCOBACTERIAL, VIRAL, AND FUNGAL INFECTIONS; Dendritic cell, monocyte, B lymphocyte, and natural killer lymphocyte deficiency; GATA2 DEFICIENCY. Identifiers: Orphanet 228423, MedGen C3280030, MONDO:0013607, OMIM 614172.

Allele frequency attached by ClinVar (database versions not stated): gnomAD 0.00001; ExAC 0.00002; gnomAD exomes 0.00002; TOPMed 0.00004.

Submissions (4):

Ambry Genetics
Classification: Likely benign for Inborn genetic diseases. Last evaluated: 2026-01-21. Review status: criteria provided, single submitter. Criteria: Ambry Variant Classification Scheme 2023. Collection method: clinical testing. Allele origin: germline.

Labcorp Genetics (formerly Invitae), Labcorp
Classification: Uncertain significance for Monocytopenia with susceptibility to infections; Deafness-lymphedema-leukemia syndrome. Last evaluated: 2025-04-07. Review status: criteria provided, single submitter. Criteria: Invitae Variant Classification Sherloc (09022015). Collection method: clinical testing. Allele origin: germline.
Comment: This sequence change replaces alanine, which is neutral and non-polar, with valine, which is neutral and non-polar, at codon 198 of the GATA2 protein (p.Ala198Val). This variant is present in population databases (rs745726293, gnomAD 0.008%). This variant has not been reported in the literature in individuals affected with GATA2-related conditions. ClinVar contains an entry for this variant (Variation ID: 539714). Invitae Evidence Modeling of protein sequence and biophysical properties (such as structural, functional, and spatial information, amino acid conservation, physicochemical variation, residue mobility, and thermodynamic stability) has been performed for this missense variant. However, the output from this modeling did not meet the statistical confidence thresholds required to predict the impact of this variant on GATA2 protein function. In summary, the available evidence is currently insufficient to determine the role of this variant in disease. Therefore, it has been classified as a Variant of Uncertain Significance.

Baylor Genetics
Classification: Uncertain significance for Acute myeloid leukemia. Last evaluated: 2023-09-04. Review status: criteria provided, single submitter. Criteria: ACMG Guidelines, 2015. Collection method: clinical testing. Allele origin: unknown.

Sema4
Classification: Uncertain significance for Hereditary cancer-predisposing syndrome. Last evaluated: 2021-08-18. Review status: criteria provided, single submitter. Criteria: Sema4 Curation Guidelines. Collection method: curation. Allele origin: germline.
Comment: The GATA2 c.593C>T (p.A198V) variant has not been reported in the literature to our knowledge. It was observed in 2/24930 chromosomes of the African subpopulation in the Genome Aggregation Database (PMID: 32461654) and has been reported in ClinVar (Variation ID 539714). Functional studies have not been performed, and in silico predictions of the variant's effect on protein function are inconclusive. The evidence is insufficient to meet ACMG/AMP criteria for classifying the variant as benign or pathogenic. Thus, the clinical significance of this variant is currently uncertain.

Literature cited by the submitters: PubMed 28518168 (cited by Ambry Genetics); PubMed 32461654 (cited by Ambry Genetics).